The following is an entry in ClinVar:

NM_017755.6(NSUN2):c.157C>T (p.Gln53Ter)

Gene: NSUN2 (NOP2/Sun RNA methyltransferase 2; minus strand). Cytogenetic location: 5p15.31.
Variant type: single nucleotide variant.
Coding change: c.157C>T on transcript NM_017755.6 (MANE Select); coding-DNA position 157, C replaced by T.
Protein change: p.Gln53Ter; replaces glutamine 53 with a stop codon.
Molecular consequence: nonsense. On other transcripts: non-coding transcript variant (1).
Genome position (GRCh38, 1-based): chr5:6,632,696, G>A on the plus strand (C>T on the coding strand, the complement: NSUN2 is on the minus strand). VCF-style: chr5-6632696-G-A. GRCh37 (hg19) VCF-style: chr5-6632809-G-A.
Other names: c.157C>T, p.Gln53Ter (NM_001193455.2); short protein forms Q53*.
Identifiers: ClinVar variation 426337 (VCV000426337.4), dbSNP rs1085307574, ClinGen allele CA359130427.

ClinVar aggregate classification (germline): Likely pathogenic (1 of 4 stars; one submission).

gnomAD v4.1: 5 of 1,614,144 alleles (0.00031%); highest among the groups gnomAD compares: South Asian, 0.0011%; no homozygotes.

Submission:

GeneDx
Classification: Likely pathogenic. Last evaluated: 2020-10-15. Review status: criteria provided, single submitter. Criteria: GeneDx Variant Classification Process June 2021. Collection method: clinical testing. Allele origin: germline. Affected: yes.
Comment: Nonsense variant predicted to result in protein truncation or nonsense mediated decay in a gene for which loss-of-function is a known mechanism of disease; Not observed in large population cohorts (Lek et al., 2016); Has not been previously published as pathogenic or benign to our knowledge